The following is an entry in ClinVar:

NM_001365088.1(SLC12A6):c.1420C>T (p.His474Tyr)

Gene: SLC12A6 (solute carrier family 12 member 6; minus strand). Cytogenetic location: 15q14.
Variant type: single nucleotide variant.
Coding change: c.1420C>T on transcript NM_001365088.1 (MANE Select); coding-DNA position 1420, C replaced by T.
Protein change: p.His474Tyr; replaces histidine 474 with tyrosine.
Molecular consequence: missense variant.
Genome position (GRCh38, 1-based): chr15:34,250,971, G>A on the plus strand (C>T on the coding strand, the complement: SLC12A6 is on the minus strand). VCF-style: chr15-34250971-G-A. GRCh37 (hg19) VCF-style: chr15-34543172-G-A.
Other names: c.1243C>T, p.His415Tyr (NM_001042494.2, NM_001042495.2); c.1393C>T, p.His465Tyr (NM_001042496.2); c.1375C>T, p.His459Tyr (NM_001042497.2); c.1267C>T, p.His423Tyr (NM_005135.2); c.1420C>T, p.His474Tyr (NM_133647.2); short protein forms H423Y, H474Y, H415Y, H459Y, H465Y.
Identifiers: ClinVar variation 3318825 (VCV003318825.2), dbSNP rs144954522.
Genomic context (GRCh38, chr15:34,250,971, plus strand): 5'-GAAAGAAGATTCCCACCAGAAGCGTGAAGGAGGTGGTGATGTCAACAAGAACATATTCAT[G>A]GTTTAAGCTGCCTAAGACATCAGAAGATTTGGCTGAAGGCTTTTCGATGATCTCTCCCTT-3'
Protein context (NP_001352017.1, residues 464-484): KSSDVLGSLN[His474Tyr]EYVLVDITTS

ClinVar aggregate classification (germline): Uncertain significance. Review status: criteria provided, multiple submitters, no conflicts (2 of 4 stars). 2 submissions from 2 submitters: Uncertain significance (2). Last evaluated 2025-04-25.

Conditions:
Inborn genetic diseases. Identifiers: MedGen C0950123, MeSH D030342.

gnomAD v4.1: 2 of 1,611,114 alleles (0.00012%); highest among the groups gnomAD compares: Non-Finnish European, 0.00017%; no homozygotes.

Submissions (2):

Labcorp Genetics (formerly Invitae), Labcorp
Classification: Uncertain significance. Last evaluated: 2025-04-25. Review status: criteria provided, single submitter. Criteria: Invitae Variant Classification Sherloc (09022015). Collection method: clinical testing. Allele origin: germline.
Comment: This sequence change replaces histidine, which is basic and polar, with tyrosine, which is neutral and polar, at codon 474 of the SLC12A6 protein (p.His474Tyr). This variant is present in population databases (rs144954522, gnomAD 0.0009%). This variant has not been reported in the literature in individuals affected with SLC12A6-related conditions. ClinVar contains an entry for this variant (Variation ID: 3318825). Invitae Evidence Modeling of protein sequence and biophysical properties (such as structural, functional, and spatial information, amino acid conservation, physicochemical variation, residue mobility, and thermodynamic stability) indicates that this missense variant is not expected to disrupt SLC12A6 protein function with a negative predictive value of 80%. In summary, the available evidence is currently insufficient to determine the role of this variant in disease. Therefore, it has been classified as a Variant of Uncertain Significance.

Ambry Genetics
Classification: Uncertain significance for Inborn genetic diseases. Last evaluated: 2024-06-16. Review status: criteria provided, single submitter. Criteria: Ambry Variant Classification Scheme 2023. Collection method: clinical testing. Allele origin: germline.
Comment: The p.H474Y variant (also known as c.1420C>T), located in coding exon 10 of the SLC12A6 gene, results from a C to T substitution at nucleotide position 1420. The histidine at codon 474 is replaced by tyrosine, an amino acid with similar properties. This amino acid position is conserved. In addition, this alteration is predicted to be tolerated by in silico analysis. Based on the available evidence, the clinical significance of this variant remains unclear.